The following is an entry in ClinVar:

ClinVar aggregate classification (germline): Conflicting classifications of pathogenicity. Review status: criteria provided, conflicting classifications (1 of 4 stars). 2 submissions from 2 submitters: Likely pathogenic (1); Uncertain significance (1). Last evaluated 2024-09-30.

Conditions:
Multiple congenital anomalies-hypotonia-seizures syndrome 1 (MCAHS1). Also called: PIGN-CDG; Congenital disorder of glycosylation due to PIGN deficiency; GLYCOSYLPHOSPHATIDYLINOSITOL BIOSYNTHESIS DEFECT 3. Identifiers: Orphanet 280633, MedGen C3279775, MONDO:0013563, OMIM 614080.

Allele frequency attached by ClinVar (database versions not stated): gnomAD 0.00001.
gnomAD v4.1: 1 of 1,601,332 alleles (0.000062%); highest among the groups gnomAD compares: Non-Finnish European, 0.000086%; no homozygotes.

Submissions (2):

Women's Health and Genetics/Laboratory Corporation of America, LabCorp
Classification: Uncertain significance. Last evaluated: 2024-09-30. Review status: criteria provided, single submitter. Criteria: LabCorp Variant Classification Summary - May 2015. Collection method: clinical testing. Allele origin: germline.
Comment: Variant summary: PIGN c.2062A>C (p.Ser688Arg) results in a non-conservative amino acid change located in the GPI ethanolamine phosphate transferase 1, C-terminal domain (IPR017852) of the encoded protein sequence. Four of five in-silico tools predict a damaging effect of the variant on protein function. The variant was absent in 248232 control chromosomes. The available data on variant occurrences in the general population are insufficient to allow any conclusion about variant significance. c.2062A>C has been reported in the literature in the compound heterozygous state in at least one individual affected with a neurodevelopmental disorder (e.g. Brunet_2021). These data do not allow any conclusion about variant significance. To our knowledge, no experimental evidence demonstrating an impact on protein function has been reported. The following publication have been ascertained in the context of this evaluation (PMID: 33619735). ClinVar contains an entry for this variant (Variation ID: 807656). Based on the evidence outlined above, the variant was classified as uncertain significance.

Institute of Human Genetics Munich, TUM University Hospital
Classification: Likely pathogenic for Multiple congenital anomalies-hypotonia-seizures syndrome 1. Last evaluated: 2019-03-26. Review status: criteria provided, single submitter. Criteria: Classification criteria August 2017. Collection method: clinical testing. Allele origin: maternal. Inheritance: Autosomal recessive inheritance. Affected: yes. Observed: 1 compound heterozygote.

Literature cited by the submitters: PubMed 33619735 (cited by Women's Health and Genetics/Laboratory Corporation of America, LabCorp).

NM_176787.5(PIGN):c.2062A>C (p.Ser688Arg)

Gene: PIGN (phosphatidylinositol glycan anchor biosynthesis class N; minus strand). Cytogenetic location: 18q21.33.
Variant type: single nucleotide variant.
Coding change: c.2062A>C on transcript NM_176787.5 (MANE Select); coding-DNA position 2062, A replaced by C.
Protein change: p.Ser688Arg; replaces serine 688 with arginine.
Molecular consequence: missense variant.
Genome position (GRCh38, 1-based): chr18:62,101,090, T>G on the plus strand (A>C on the coding strand, the complement: PIGN is on the minus strand). VCF-style: chr18-62101090-T-G. GRCh37 (hg19) VCF-style: chr18-59768323-T-G.
Other names: c.2062A>C, p.Ser688Arg (NM_012327.6); short protein forms S688R.
Identifiers: ClinVar variation 807656 (VCV000807656.4), dbSNP rs1251827296, ClinGen allele CA402603419.
Genomic context (GRCh38, chr18:62,101,090, plus strand): 5'-TAAGTTGATGTCAAATTACCTCACCTGGTTTGAGTGGCCTCTTACCTAATGTTGCCCAGC[T>G]AATAATTTGATTCATGAGAGGCAGTCCTTGCTTCCTGAGTAGACTACTCTGAGTGCTATA-3'
Protein context (NP_789744.1, residues 678-698): QGLPLMNQII[Ser688Arg]WATLASSLVV